The following is an entry in ClinVar:

ClinVar aggregate classification (germline): Uncertain significance (1 of 4 stars; one submission).

Conditions:
Cystic fibrosis (CF). Also called: MUCOVISCIDOSIS. Identifiers: Orphanet 586, MedGen C0010674, MONDO:0009061, OMIM 219700. Disease mechanism: loss of function.

Submission:

Ambry Genetics
Classification: Uncertain significance for Cystic fibrosis. Last evaluated: 2022-02-16. Review status: criteria provided, single submitter. Criteria: Ambry Variant Classification Scheme 2023. Collection method: clinical testing. Allele origin: germline.
Comment: The p.T1076P variant (also known as c.3226A>C), located in coding exon 20 of the CFTR gene, results from an A to C substitution at nucleotide position 3226. The threonine at codon 1076 is replaced by proline, an amino acid with highly similar properties. This alteration was identified in trans with F508del in an individual with pancreatic insufficiency and a sweat chloride of >60mmol/L (Salinas DB et al. PLoS One, 2016 May;11:e0155624). This amino acid position is well conserved in available vertebrate species. In addition, the in silico prediction for this alteration is inconclusive. Since supporting evidence is limited at this time, the clinical significance of this alteration remains unclear.

Literature cited by the submitters: PubMed 27214204.

NM_000492.4(CFTR):c.3226A>C (p.Thr1076Pro)

Genes: CFTR (CF transmembrane conductance regulator; plus strand), CFTR-AS2 (CFTR antisense RNA 2; minus strand), LOC111674472 (DNase I hypersensitive sites in introns 16 and 17a of CFTR; plus strand). Cytogenetic location: 7q31.2.
Variant type: single nucleotide variant.
Coding change: c.3226A>C on transcript NM_000492.4 (MANE Select); coding-DNA position 3226, A replaced by C.
Protein change: p.Thr1076Pro; replaces threonine 1076 with proline.
Molecular consequence: missense variant.
Genome position (GRCh38, 1-based): chr7:117,611,667, A>C. VCF-style: chr7-117611667-A-C. GRCh37 (hg19) VCF-style: chr7-117251721-A-C.
Other names: short protein forms T1076P.
Identifiers: ClinVar variation 1729121 (VCV001729121.2), dbSNP rs2485130382, ClinGen allele CA368992164.